The following is an entry in ClinVar:

ClinVar aggregate classification (germline): Likely benign (1 of 4 stars; one submission).

gnomAD v4.1: 31 of 1,612,546 alleles (0.0019%); highest among the groups gnomAD compares: Middle Eastern, 0.016%; no homozygotes.

Submission:

CeGaT Center for Human Genetics Tuebingen
Classification: Likely benign. Last evaluated: 2025-06-01. Review status: criteria provided, single submitter. Criteria: CeGaT Center For Human Genetics Tuebingen Variant Classification Criteria Version 2. Collection method: clinical testing. Allele origin: germline. Affected: yes. Observed: 1 variant allele.
Comment: DST: BP4, BP7

NM_001374736.1(DST):c.10113A>G (p.Gln3371=)

Gene: DST (dystonin; minus strand). Cytogenetic location: 6p12.1.
Variant type: single nucleotide variant.
Coding change: c.10113A>G on transcript NM_001374736.1 (MANE Select); coding-DNA position 10113, A replaced by G.
Protein change: p.Gln3371=; no amino-acid change (glutamine 3371 retained).
Molecular consequence: synonymous variant. On other transcripts: intron variant (6).
Genome position (GRCh38, 1-based): chr6:56,604,515, T>C on the plus strand (A>G on the coding strand, the complement: DST is on the minus strand). VCF-style: chr6-56604515-T-C. GRCh37 (hg19) VCF-style: chr6-56469313-T-C.
Other names: c.10113A>G, p.Gln3371= (NM_001374722.1); c.9480A>G, p.Gln3160= (NM_001374729.1); c.10140A>G, p.Gln3380= (NM_001374734.1); c.5185-4294A>G (NM_001144769.5); c.4771-4294A>G (NM_001144770.2); c.4651-4294A>G (NM_001374730.1, NM_001386100.1, NM_183380.4); c.3673-4294A>G (NM_015548.5).
Identifiers: ClinVar variation 4084460 (VCV004084460.8).